The following is an entry in ClinVar:

NM_203447.4(DOCK8):c.3901C>G (p.Leu1301Val)

Gene: DOCK8 (dedicator of cytokinesis 8; plus strand). Cytogenetic location: 9p24.3.
Variant type: single nucleotide variant.
Coding change: c.3901C>G on transcript NM_203447.4 (MANE Select); coding-DNA position 3901, C replaced by G.
Protein change: p.Leu1301Val; replaces leucine 1301 with valine.
Molecular consequence: missense variant.
Genome position (GRCh38, 1-based): chr9:420,461, C>G. VCF-style: chr9-420461-C-G. GRCh37 (hg19) VCF-style: chr9-420461-C-G.
Other names: c.3601C>G, p.Leu1201Val (NM_001190458.2); c.3697C>G, p.Leu1233Val (NM_001193536.2); short protein forms L1233V, L1301V, L1201V.
Identifiers: ClinVar variation 2695319 (VCV002695319.3), dbSNP rs1256401388, ClinGen allele CA372763809.

ClinVar aggregate classification (germline): Uncertain significance (1 of 4 stars; one submission).

Conditions:
Combined immunodeficiency due to DOCK8 deficiency (HIES2). Also called: HYPER-IgE SYNDROME 2, AUTOSOMAL RECESSIVE, WITH RECURRENT INFECTIONS; HIES autosomal recessive; HYPER-IgE RECURRENT INFECTION SYNDROME 2, AUTOSOMAL RECESSIVE; Hyper-IgE recurrent infection syndrome, autosomal recessive; DOCK8 Deficiency. Identifiers: Orphanet 217390, MedGen C4722305, MONDO:0009478, OMIM 243700.

gnomAD v4.1: 2 of 1,614,178 alleles (0.00012%); highest among the groups gnomAD compares: Non-Finnish European, 0.00017%; no homozygotes.

Submission:

Labcorp Genetics (formerly Invitae), Labcorp
Classification: Uncertain significance for Combined immunodeficiency due to DOCK8 deficiency. Last evaluated: 2023-11-12. Review status: criteria provided, single submitter. Criteria: Invitae Variant Classification Sherloc (09022015). Collection method: clinical testing. Allele origin: germline.
Comment: This sequence change replaces leucine, which is neutral and non-polar, with valine, which is neutral and non-polar, at codon 1301 of the DOCK8 protein (p.Leu1301Val). This variant is present in population databases (no rsID available, gnomAD 0.0009%). This variant has not been reported in the literature in individuals affected with DOCK8-related conditions. Advanced modeling of protein sequence and biophysical properties (such as structural, functional, and spatial information, amino acid conservation, physicochemical variation, residue mobility, and thermodynamic stability) has been performed at Invitae for this missense variant, however the output from this modeling did not meet the statistical confidence thresholds required to predict the impact of this variant on DOCK8 protein function. In summary, the available evidence is currently insufficient to determine the role of this variant in disease. Therefore, it has been classified as a Variant of Uncertain Significance.